The following is an entry in ClinVar:

NM_001112741.2(KCNC1):c.1605G>A (p.Thr535=)

Gene: KCNC1 (potassium voltage-gated channel subfamily C member 1; plus strand). Cytogenetic location: 11p15.1.
Variant type: single nucleotide variant.
Coding change: c.1605G>A on transcript NM_001112741.2 (MANE Select); coding-DNA position 1605, G replaced by A.
Protein change: p.Thr535=; no amino-acid change (threonine 535 retained).
Molecular consequence: synonymous variant.
Genome position (GRCh38, 1-based): chr11:17,779,556, G>A. VCF-style: chr11-17779556-G-A. GRCh37 (hg19) VCF-style: chr11-17801103-G-A.
Identifiers: ClinVar variation 1615425 (VCV001615425.12), dbSNP rs760322146, ClinGen allele CA5906845.

ClinVar aggregate classification (germline): Likely benign. Review status: criteria provided, multiple submitters, no conflicts (2 of 4 stars). 2 submissions from 2 submitters: Likely benign (2). Last evaluated 2026-01-01.

Conditions:
Progressive myoclonic epilepsy type 7. Identifiers: Orphanet 435438, MedGen C4015420, MONDO:0014521, OMIM 616187.

Allele frequency attached by ClinVar (database versions not stated): gnomAD exomes 0.00001 and 0.00003; ExAC 0.00010.

Submissions (2):

CeGaT Center for Human Genetics Tuebingen
Classification: Likely benign. Last evaluated: 2026-01-01. Review status: criteria provided, single submitter. Criteria: CeGaT Center For Human Genetics Tuebingen Variant Classification Criteria Version 2. Collection method: clinical testing. Allele origin: germline. Affected: yes. Observed: 1 variant allele.
Comment: KCNC1: BP4, BP7

Labcorp Genetics (formerly Invitae), Labcorp
Classification: Likely benign for Progressive myoclonic epilepsy type 7. Last evaluated: 2025-10-02. Review status: criteria provided, single submitter. Criteria: Invitae Variant Classification Sherloc (09022015). Collection method: clinical testing. Allele origin: germline.